The following is an entry in ClinVar:

NM_017739.4(POMGNT1):c.1895+1G>A

Genes: POMGNT1 (protein O-linked mannose N-acetylglucosaminyltransferase 1 (beta 1,2-); minus strand), TSPAN1 (tetraspanin 1; plus strand). Cytogenetic location: 1p34.1.
Variant type: single nucleotide variant.
Coding change: c.1895+1G>A on transcript NM_017739.4 (MANE Select); the canonical splice donor site of the intron after coding-DNA position 1895, G replaced by A.
Molecular consequence: splice donor variant. On other transcripts: intron variant (1).
Genome position (GRCh38, 1-based): chr1:46,189,457, C>T on the plus strand (G>A on the coding strand, the complement: POMGNT1 is on the minus strand). VCF-style: chr1-46189457-C-T. GRCh37 (hg19) VCF-style: chr1-46655129-C-T.
Other names: IVS21DS, G-A, +1; c.1869+27G>A (NM_001243766.2); c.1895+1G>A (NM_001438686.1, NM_001438688.1, NM_001437653.1 and 2 more transcripts); c.1829+1G>A (NM_001290129.3, NM_001438691.1, NM_001438692.1); c.1466+1G>A (NM_001290130.2).
Identifiers: ClinVar variation 56592 (VCV000056592.23), dbSNP rs386834024, ClinGen allele CA263963.

ClinVar aggregate classification (germline): Pathogenic/Likely pathogenic. Review status: criteria provided, multiple submitters, no conflicts (2 of 4 stars). 9 submissions from 9 submitters: Pathogenic (6); Likely pathogenic (1). 2 of the submissions do not count toward it. Last evaluated 2025-11-27.

Conditions:
Autosomal recessive limb-girdle muscular dystrophy type 2O. Also called: MUSCULAR DYSTROPHY-DYSTROGLYCANOPATHY (LIMB-GIRDLE), TYPE C, 3; MUSCULAR DYSTROPHY-DYSTROGLYCANOPATHY, LIMB-GIRDLE, POMGNT1-RELATED; Limb-Girdle Muscular Dystrophy Type 3C. Identifiers: Orphanet 206564, MedGen C3150417, MONDO:0013161, OMIM 613157.
Muscular dystrophy-dystroglycanopathy (congenital with impaired intellectual development), type B, 3. Also called: Muscular dystrophy-dystroglycanopathy (congenital with intellectual disability), type B3; MUSCULAR DYSTROPHY, CONGENITAL, POMGNT1-RELATED. Identifiers: MedGen C3150412, MONDO:0013155, OMIM 613151.
Muscular dystrophy-dystroglycanopathy. Also called: Congenital muscular dystrophy due to dystroglycanopathy. Identifiers: Orphanet 370953, MedGen C5679911, MONDO:0018276.
Retinitis pigmentosa 76 (RP76). Identifiers: MedGen C4310704, MONDO:0014929, OMIM 617123.
POMGNT1-related disorder. Also called: POMGNT1-related condition; POMGNT1-related disorders. Identifiers: MedGen CN239299.
Muscular dystrophy-dystroglycanopathy (congenital with brain and eye anomalies), type A3. Also called: Muscular dystrophy-dystroglycanopathy (congenital with brain and eye anomalies), type A, 3; Congenital muscular dystrophy-dystroglycanopathy with brain and eye anomalies, type A3; WALKER-WARBURG SYNDROME OR MUSCLE-EYE-BRAIN DISEASE, POMGNT1-RELATED. Identifiers: MedGen C3151519, MONDO:0009667, OMIM 253280.
Muscle eye brain disease (MEB). Also called: Santavuori congenital muscular dystrophy. Identifiers: Orphanet 588, Orphanet 899, MedGen C0457133, MONDO:0018939.

gnomAD v4.1: 22 of 1,613,486 alleles (0.0014%); highest among the groups gnomAD compares: South Asian, 0.0022%; no homozygotes.

Submissions (9):

Natera, Inc.
Classification: Pathogenic for Muscle-eye-brain disease. Last evaluated: 2025-11-27. Review status: criteria provided, single submitter. Criteria: Natera Variant Classification Schema (03/2026). Collection method: clinical testing. Allele origin: germline.
Comment: The c.1895+1G>A variant in POMGNT1 is a canonical splice donor site variant predicted to affect pre-mRNA splicing, which may result in an abnormal transcript and altered protein product. This variant is expected to result in nonsense mediated decay, truncation, or a dysfunctional protein product. This variant is rare in the general population with a frequency below the threshold expected for the associated phenotype(s). This variant has been observed in one or more individuals affected with the associated recessive disease, as either homozygous or compound heterozygous with a second variant (PMID: 15466003). Another variant at this same site results in an alteration predicted to cause a similar molecular effect has been observed in individual(s) with the associated phenotype. Given the available evidence, this variant is classified as Pathogenic.

Baylor Genetics
Classification: Pathogenic for Muscular dystrophy-dystroglycanopathy (congenital with brain and eye anomalies), type A3. Last evaluated: 2024-03-23. Review status: criteria provided, single submitter. Criteria: ACMG Guidelines, 2015. Collection method: clinical testing. Allele origin: unknown.

Labcorp Genetics (formerly Invitae), Labcorp
Classification: Pathogenic for Autosomal recessive limb-girdle muscular dystrophy type 2O; Muscular dystrophy-dystroglycanopathy (congenital with impaired intellectual development), type B, 3. Last evaluated: 2024-01-04. Review status: criteria provided, single submitter. Criteria: Invitae Variant Classification Sherloc (09022015). Collection method: clinical testing. Allele origin: germline.
Comment: This sequence change affects a donor splice site in intron 21 of the POMGNT1 gene. While this variant is not anticipated to result in nonsense mediated decay, it likely alters RNA splicing and results in a disrupted protein product. The frequency data for this variant in the population databases is considered unreliable, as metrics indicate poor data quality at this position in the gnomAD database. Disruption of this splice site has been observed in individuals with muscle-eye-brain disease (PMID: 15466003, 22554691, 28424332). ClinVar contains an entry for this variant (Variation ID: 56592). Variants that disrupt the consensus splice site are a relatively common cause of aberrant splicing (PMID: 17576681, 9536098). Algorithms developed to predict the effect of sequence changes on RNA splicing suggest that this variant may disrupt the consensus splice site. For these reasons, this variant has been classified as Pathogenic.

GeneDx
Classification: Pathogenic. Last evaluated: 2023-06-01. Review status: criteria provided, single submitter. Criteria: GeneDx Variant Classification Process June 2021. Collection method: clinical testing. Allele origin: germline. Affected: yes.
Comment: Canonical splice site variant predicted to result in a null allele in a gene for which loss of function is a known mechanism of disease; Identified in a patient with a POMGNT1-related disorder who harbored an additional POMGNT1 variant (Diesen et al., 2004); This variant is associated with the following publications: (PMID: 25525159, 22323514, 15466003, 22554691, 26908613)

Broad Center for Mendelian Genomics, Broad Institute of MIT and Harvard
Classification: Likely pathogenic for Muscular dystrophy-dystroglycanopathy. Last evaluated: 2023-01-24. Review status: criteria provided, single submitter. Criteria: ACMG Guidelines, 2015. Collection method: curation. Allele origin: germline. Inheritance: Autosomal recessive inheritance.
Comment: The c.1895+1G>A variant in POMGNT1 has been previously reported in one individual, in the compound heterozygous state, with muscular dystrophy-dystroglycanopathy (PMID: 15466003), and has been identified in 0.003% (1/30416) of South Asian chromosomes by the Genome Aggregation Database (gnomAD; dbSNP ID: rs386834024). Although this variant has been seen in the general population in a heterozygous state, its frequency is low enough to be consistent with a recessive carrier frequency. This variant has also been reported in ClinVar (Variation ID#:56592) and has been interpreted as pathogenic by multiple labs. This variant is located in the 5‚Äô splice region. Computational tools predict a splicing impact, though this information is not predictive enough to determine pathogenicity. Loss of function of the POMGNT1 gene is an established disease mechanism in autosomal recessive POMGNT1-associated muscular dystrophy-dystroglycanopathy. In summary, although although additional studies are required to fully establish its clinical significance, this variant is likely pathogenic for autosomal recessive POMGNT1-associated muscular dystrophy-dystroglycanopathy. ACMG/AMP Criteria applied: PVS1_moderate, PM2, PM3 (Richards 2015).

Blueprint Genetics
Classification: Pathogenic for POMGNT1-related disorders. Last evaluated: 2021-12-28. Review status: criteria provided, single submitter. Criteria: ACMG Guidelines, 2015. Collection method: clinical testing. Allele origin: germline. Affected: yes. Observed: 2 variant alleles.

Myriad Genetics, Inc.
Classification: Pathogenic for Muscular dystrophy-dystroglycanopathy (congenital with brain and eye anomalies), type A3. Last evaluated: 2021-11-16. Review status: criteria provided, single submitter. Criteria: Myriad Women's Health Autosomal Recessive and X-Linked Classification Criteria (2021). Collection method: clinical testing. Allele origin: unknown.
Comment: NM_017739.3(POMGNT1):c.1895+1G>A is a canonical splice variant classified as pathogenic in the context of POMGNT-related disorders. c.1895+1G>A has been observed in cases with relevant disease (PMID: 15466003, 26908613). Functional assessments of this variant are not available in the literature. c.1895+1G>A has been observed in population frequency databases (gnomAD: SAS 0.003%). In summary, NM_017739.3(POMGNT1):c.1895+1G>A is a canonical splice variant that has been observed more frequently in cases with the relevant disease than in healthy populations. Please note: this variant was assessed in the context of healthy population screening.

OMIM
Classification: Pathogenic for RETINITIS PIGMENTOSA 76. Last evaluated: 2012-07-15. Review status: no assertion criteria provided. Collection method: literature only. Allele origin: germline. Not counted in ClinVar's aggregate classification.

Juha Muilu Group; Institute for Molecular Medicine Finland (FIMM)
Classification: Likely pathogenic for Muscle eye brain disease. Review status: no assertion criteria provided. Collection method: not provided. Allele origin: unknown. Not counted in ClinVar's aggregate classification.
Comment: FinDis database variant: This variant was not found or characterized by our laboratory, data were collected from public sources: see reference
ClinVar note: Converted during submission from probable-pathogenic to Likely pathogenic.

Literature cited by the submitters: PubMed 15466003 (cited by 4 submitters); PubMed 22554691 (cited by Labcorp Genetics (formerly Invitae), Labcorp and OMIM); PubMed 28424332 (cited by Labcorp Genetics (formerly Invitae), Labcorp); PubMed 17576681 (cited by Labcorp Genetics (formerly Invitae), Labcorp); PubMed 9536098 (cited by Labcorp Genetics (formerly Invitae), Labcorp); PubMed 26908613 (cited by Myriad Genetics, Inc. and OMIM).